The following is an entry in ClinVar:

ClinVar aggregate classification (germline): Uncertain significance. Review status: criteria provided, multiple submitters, no conflicts (2 of 4 stars). 4 submissions from 4 submitters: Uncertain significance (4). Last evaluated 2025-04-09.

Conditions:
Long QT syndrome (LQTS). Identifiers: MedGen C0023976, MeSH D008133, MONDO:0002442. Disease mechanism: loss of function. Inheritance: Various modes of inheritance.
Cardiovascular phenotype. Identifiers: MedGen CN230736.

Allele frequency attached by ClinVar (database versions not stated): ExAC 0.00001; gnomAD 0.00001; gnomAD exomes 0.00001; TOPMed 0.00002; ESP Exome Variant Server 0.00008.
gnomAD v4.1: 4 of 1,613,148 alleles (0.00025%); highest among the groups gnomAD compares: Non-Finnish European, 0.00034%; no homozygotes.

Submissions (4):

Molecular Diagnostic Laboratory for Inherited Cardiovascular Disease, Montreal Heart Institute
Classification: Uncertain significance for Cardiovascular phenotype. Last evaluated: 2025-04-09. Review status: criteria provided, single submitter. Criteria: ACMG Guidelines, 2015. Collection method: clinical testing. Allele origin: germline. Affected: yes.

Blueprint Genetics
Classification: Uncertain significance. Last evaluated: 2023-07-14. Review status: criteria provided, single submitter. Criteria: ACMG Guidelines, 2015. Collection method: clinical testing. Allele origin: germline.

Labcorp Genetics (formerly Invitae), Labcorp
Classification: Uncertain significance for Long QT syndrome. Last evaluated: 2022-11-21. Review status: criteria provided, single submitter. Criteria: Invitae Variant Classification Sherloc (09022015). Collection method: clinical testing. Allele origin: germline.
Comment: This sequence change replaces aspartic acid, which is acidic and polar, with asparagine, which is neutral and polar, at codon 91 of the ANK2 protein (p.Asp91Asn). This variant is present in population databases (rs372103163, gnomAD 0.0009%). This variant has not been reported in the literature in individuals affected with ANK2-related conditions. Advanced modeling of protein sequence and biophysical properties (such as structural, functional, and spatial information, amino acid conservation, physicochemical variation, residue mobility, and thermodynamic stability) has been performed at Invitae for this missense variant, however the output from this modeling did not meet the statistical confidence thresholds required to predict the impact of this variant on ANK2 protein function. In summary, the available evidence is currently insufficient to determine the role of this variant in disease. Therefore, it has been classified as a Variant of Uncertain Significance.

Ambry Genetics
Classification: Uncertain significance for Cardiovascular phenotype. Last evaluated: 2022-06-21. Review status: criteria provided, single submitter. Criteria: Ambry Variant Classification Scheme 2023. Collection method: clinical testing. Allele origin: germline.
Comment: The p.D91N variant (also known as c.271G>A), located in coding exon 3 of the ANK2 gene, results from a G to A substitution at nucleotide position 271. The aspartic acid at codon 91 is replaced by asparagine, an amino acid with highly similar properties. This amino acid position is highly conserved in available vertebrate species. In addition, this alteration is predicted to be tolerated by in silico analysis. Since supporting evidence is limited at this time, the clinical significance of this alteration remains unclear.

NM_001148.6(ANK2):c.271G>A (p.Asp91Asn)

Gene: ANK2 (ankyrin 2; plus strand). Cytogenetic location: 4q25.
Variant type: single nucleotide variant.
Coding change: c.271G>A on transcript NM_001148.6 (MANE Select); coding-DNA position 271, G replaced by A.
Protein change: p.Asp91Asn; replaces aspartic acid 91 with asparagine.
Molecular consequence: missense variant.
Genome position (GRCh38, 1-based): chr4:113,196,452, G>A. VCF-style: chr4-113196452-G-A. GRCh37 (hg19) VCF-style: chr4-114117608-G-A.
Other names: c.208G>A, p.Asp70Asn (NM_001127493.3, NM_001354239.2, NM_001354243.2 and 33 more transcripts); c.271G>A, p.Asp91Asn (NM_001354225.2, NM_001354228.2, NM_001354232.2 and 9 more transcripts); c.316G>A, p.Asp106Asn (NM_001354230.2, NM_001354231.2, NM_001354237.2 and 5 more transcripts); c.253G>A, p.Asp85Asn (NM_001354261.2, NM_001386147.1, NM_001386160.1); c.259G>A, p.Asp87Asn (NM_001354269.3, NM_001386148.2, NM_001386186.2 and 1 more transcripts); c.322G>A, p.Asp108Asn (NM_001386174.1, NM_001386175.1); c.271G>A (NM_001148.5); short protein forms D108N, D106N, D70N, D85N, D87N, D91N.
Identifiers: ClinVar variation 1795173 (VCV001795173.7), dbSNP rs372103163, ClinGen allele CA3049976.